The following is an entry in ClinVar:

NM_006734.4(HIVEP2):c.2987A>G (p.Lys996Arg)

Gene: HIVEP2 (HIVEP zinc finger 2; minus strand). Cytogenetic location: 6q24.2.
Variant type: single nucleotide variant.
Coding change: c.2987A>G on transcript NM_006734.4 (MANE Select); coding-DNA position 2987, A replaced by G.
Protein change: p.Lys996Arg; replaces lysine 996 with arginine.
Molecular consequence: missense variant.
Genome position (GRCh38, 1-based): chr6:142,771,752, T>C on the plus strand (A>G on the coding strand, the complement: HIVEP2 is on the minus strand). VCF-style: chr6-142771752-T-C. GRCh37 (hg19) VCF-style: chr6-143092889-T-C.
Other names: short protein forms K996R.
Identifiers: ClinVar variation 2874132 (VCV002874132.4), dbSNP rs2482835025, ClinGen allele CA365907649.

ClinVar aggregate classification (germline): Uncertain significance. Review status: criteria provided, multiple submitters, no conflicts (2 of 4 stars). 2 submissions from 2 submitters: Uncertain significance (2). Last evaluated 2026-08-01.

Submissions (2):

CeGaT Center for Human Genetics Tuebingen
Classification: Uncertain significance. Last evaluated: 2026-08-01. Review status: criteria provided, single submitter. Criteria: CeGaT Center For Human Genetics Tuebingen Variant Classification Criteria Version 2. Collection method: clinical testing. Allele origin: germline. Affected: yes. Observed: 1 variant allele.
Comment: HIVEP2: PM2, BP4

Labcorp Genetics (formerly Invitae), Labcorp
Classification: Uncertain significance. Last evaluated: 2024-01-10. Review status: criteria provided, single submitter. Criteria: Invitae Variant Classification Sherloc (09022015). Collection method: clinical testing. Allele origin: germline.
Comment: This sequence change replaces lysine, which is basic and polar, with arginine, which is basic and polar, at codon 996 of the HIVEP2 protein (p.Lys996Arg). This variant is not present in population databases (gnomAD no frequency). This variant has not been reported in the literature in individuals affected with HIVEP2-related conditions. Advanced modeling of protein sequence and biophysical properties (such as structural, functional, and spatial information, amino acid conservation, physicochemical variation, residue mobility, and thermodynamic stability) performed at Invitae indicates that this missense variant is expected to disrupt HIVEP2 protein function with a positive predictive value of 80%. In summary, the available evidence is currently insufficient to determine the role of this variant in disease. Therefore, it has been classified as a Variant of Uncertain Significance.